The following is an entry in ClinVar:

ClinVar aggregate classification (germline): Uncertain significance (1 of 4 stars; one submission).

Submission:

GeneDx
Classification: Uncertain significance. Last evaluated: 2022-12-27. Review status: criteria provided, single submitter. Criteria: GeneDx Variant Classification Process June 2021. Collection method: clinical testing. Allele origin: germline. Affected: yes.
Comment: Not observed at significant frequency in large population cohorts (gnomAD); In silico analysis supports that this missense variant does not alter protein structure/function; Has not been previously published as pathogenic or benign to our knowledge

NM_022841.7(RFX7):c.1444C>T (p.Pro482Ser)

Gene: RFX7 (regulatory factor X7; minus strand). Cytogenetic location: 15q21.3.
Variant type: single nucleotide variant.
Coding change: c.1444C>T on transcript NM_022841.7 (MANE Select); coding-DNA position 1444, C replaced by T.
Protein change: p.Pro482Ser; replaces proline 482 with serine.
Molecular consequence: missense variant.
Genome position (GRCh38, 1-based): chr15:56,096,284, G>A on the plus strand (C>T on the coding strand, the complement: RFX7 is on the minus strand). VCF-style: chr15-56096284-G-A. GRCh37 (hg19) VCF-style: chr15-56388482-G-A.
Other names: c.1153C>T, p.Pro385Ser (NM_001368073.2, NM_001368074.1, NM_001370554.1); c.1444C>T, p.Pro482Ser (NM_001370561.1); short protein forms P385S, P482S.
Identifiers: ClinVar variation 2507254 (VCV002507254.1), dbSNP rs2504990883, ClinGen allele CA392583380.